The following is an entry in ClinVar:

NM_000053.4(ATP7B):c.1946+3A>G

Gene: ATP7B (ATPase copper transporting beta; minus strand). Cytogenetic location: 13q14.3.
Variant type: single nucleotide variant.
Coding change: c.1946+3A>G on transcript NM_000053.4 (MANE Select); 3 bases into the intron after coding-DNA position 1946, A replaced by G.
Molecular consequence: intron variant.
Genome position (GRCh38, 1-based): chr13:51,961,834, T>C on the plus strand (A>G on the coding strand, the complement: ATP7B is on the minus strand). VCF-style: chr13-51961834-T-C. GRCh37 (hg19) VCF-style: chr13-52535970-T-C.
Other names: c.1869+3038A>G (NM_001406541.1, NM_001406531.1, NM_001406532.1 and 5 more transcripts); c.1946+3A>G (NM_001406527.1, NM_001406537.1, NM_001406521.1 and 16 more transcripts); c.1773+3038A>G (NM_001406543.1, NM_001406544.1); c.1613+3A>G (NM_001243182.2); c.1286-11673A>G (NM_001406548.1); c.1913+3A>G (NM_001406524.1, NM_001406514.1); c.1708-4227A>G (NM_001406547.1, NM_001406545.1); c.1850+3A>G (NM_001406518.1, NM_001406536.1, NM_001406530.1 and 1 more transcripts); and 1 more.
Identifiers: ClinVar variation 2683234 (VCV002683234.1), dbSNP rs1958764577, ClinGen allele CA2695218141.

ClinVar aggregate classification (germline): Uncertain significance (1 of 4 stars; one submission).

Submission:

Mayo Clinic Laboratories, Mayo Clinic
Classification: Uncertain significance. Last evaluated: 2022-10-31. Review status: criteria provided, single submitter. Criteria: ACMG Guidelines, 2015. Collection method: clinical testing. Allele origin: germline. Observed: 1 variant allele.
Comment: PM2

Literature cited by the submitters: PubMed 35782615.